The following is an entry in ClinVar:

NM_007194.4(CHEK2):c.169T>G (p.Ser57Ala)

Gene: CHEK2 (checkpoint kinase 2; minus strand). Cytogenetic location: 22q12.1.
Variant type: single nucleotide variant.
Coding change: c.169T>G on transcript NM_007194.4 (MANE Select); coding-DNA position 169, T replaced by G.
Protein change: p.Ser57Ala; replaces serine 57 with alanine.
Molecular consequence: missense variant.
Genome position (GRCh38, 1-based): chr22:28,734,553, A>C on the plus strand (T>G on the coding strand, the complement: CHEK2 is on the minus strand). VCF-style: chr22-28734553-A-C. GRCh37 (hg19) VCF-style: chr22-29130541-A-C.
Other names: c.169T>G, p.Ser57Ala (NM_001005735.3, NM_001349956.3, NM_145862.3); c.-609T>G (NM_001257387.3); short protein forms S57A.
Identifiers: ClinVar variation 2003059 (VCV002003059.4), dbSNP rs2054323662, ClinGen allele CA411090920.
Genomic context (GRCh38, chr22:28,734,553, plus strand): 5'-CCTCAGGAATAGAATAGAGTTCCTGAGTGGACACTGTCTCTAAGGAGCTCAGTGTCCCAG[A>C]GCTGGAGTGAGAGGACTGGCTGGAGTTTGGCATCGTGCTGGTAGAGGAGCTGGATATGCC-3'
Protein context (NP_009125.1, residues 47-67): PNSSQSSHSS[Ser57Ala]GTLSSLETVS

ClinVar aggregate classification (germline): Uncertain significance (1 of 4 stars; one submission).

Conditions:
Familial cancer of breast. Also called: hereditary breast carcinoma; Hereditary breast cancer; BREAST CANCER, FAMILIAL. Identifiers: Orphanet 227535, MedGen C0346153, MONDO:0016419, OMIM 114480. Disease mechanism: loss of function.

Submission:

Labcorp Genetics (formerly Invitae), Labcorp
Classification: Uncertain significance for Familial cancer of breast. Last evaluated: 2022-06-07. Review status: criteria provided, single submitter. Criteria: Invitae Variant Classification Sherloc (09022015). Collection method: clinical testing. Allele origin: germline.
Comment: This sequence change replaces serine, which is neutral and polar, with alanine, which is neutral and non-polar, at codon 57 of the CHEK2 protein (p.Ser57Ala). This variant is not present in population databases (gnomAD no frequency). This variant has not been reported in the literature in individuals affected with CHEK2-related conditions. Algorithms developed to predict the effect of missense changes on protein structure and function are either unavailable or do not agree on the potential impact of this missense change (SIFT: "Deleterious"; PolyPhen-2: "Possibly Damaging"; Align-GVGD: "Class C0"). In summary, the available evidence is currently insufficient to determine the role of this variant in disease. Therefore, it has been classified as a Variant of Uncertain Significance.